The following is an entry in ClinVar:

ClinVar aggregate classification (germline): Pathogenic. Review status: criteria provided, multiple submitters, no conflicts (2 of 4 stars). 6 submissions from 6 submitters: Pathogenic (5). 1 of the submissions does not count toward it. Last evaluated 2024-04-29.

Conditions:
Nijmegen breakage syndrome-like disorder (NBSLD). Also called: MICROCEPHALY AND SPONTANEOUS CHROMOSOME INSTABILITY WITHOUT IMMUNODEFICIENCY; NBS-LIKE DISORDER; RAD50 DEFICIENCY. Identifiers: Orphanet 240760, MedGen C2751318, MONDO:0013118, OMIM 613078.
Hereditary cancer-predisposing syndrome. Also called: Neoplastic Syndromes, Hereditary; Tumor predisposition; Hereditary neoplastic syndrome; Hereditary Cancer Syndrome. Identifiers: Orphanet 140162, MedGen C0027672, MeSH D009386, MONDO:0015356.

Allele frequency attached by ClinVar (database versions not stated): gnomAD 0.00001; gnomAD exomes below 0.00001; TOPMed 0.00001.
gnomAD v4.1: 7 of 1,613,542 alleles (0.00043%); highest among the groups gnomAD compares: African/African-American, 0.0027%; no homozygotes.

Submissions (6):

Labcorp Genetics (formerly Invitae), Labcorp
Classification: Pathogenic for Hereditary cancer-predisposing syndrome. Last evaluated: 2024-04-29. Review status: criteria provided, single submitter. Criteria: Invitae Variant Classification Sherloc (09022015). Collection method: clinical testing. Allele origin: germline.
Comment: This sequence change creates a premature translational stop signal (p.Arg365*) in the RAD50 gene. It is expected to result in an absent or disrupted protein product. Loss-of-function variants in RAD50 are known to be pathogenic (PMID: 19409520). This variant is not present in population databases (gnomAD no frequency). This premature translational stop signal has been observed in individual(s) with breast cancer (PMID: 26822949). ClinVar contains an entry for this variant (Variation ID: 480489). For these reasons, this variant has been classified as Pathogenic.

Baylor Genetics
Classification: Pathogenic for Nijmegen breakage syndrome-like disorder. Last evaluated: 2023-04-20. Review status: criteria provided, single submitter. Criteria: ACMG Guidelines, 2015. Collection method: clinical testing. Allele origin: unknown.

Laboratorio de Genetica e Diagnostico Molecular, Hospital Israelita Albert Einstein
Classification: Pathogenic for Nijmegen breakage syndrome-like disorder. Last evaluated: 2022-11-18. Review status: criteria provided, single submitter. Criteria: ACMG Guidelines, 2015. Collection method: clinical testing. Allele origin: germline. Affected: yes. Observed: 1 variant allele.
Comment: ACMG classification criteria: PVS1 very strong, PS4 supporting, PM2 moderated

Ambry Genetics
Classification: Pathogenic for Hereditary cancer-predisposing syndrome. Last evaluated: 2017-07-31. Review status: criteria provided, single submitter. Criteria: Ambry Variant Classification Scheme 2023. Collection method: clinical testing. Allele origin: germline.
Comment: The p.R365* pathogenic mutation (also known as c.1093C>T), located in coding exon 8 of the RAD50 gene, results from a C to T substitution at nucleotide position 1093. This changes the amino acid from an arginine to a stop codon within coding exon 8. In one Czech study, this mutation was observed in 1/325 high-risk breast cancer patients and 0/105 controls who underwent testing for 25 genes (Lhota F et al. Clin. Genet. 2016 Oct;90:324-33). In addition to the clinical data presented in the literature, this alteration is expected to result in loss of function by premature protein truncation or nonsense-mediated mRNA decay. As such, this alteration is interpreted as a disease-causing mutation.

Genesis Genomics
Classification: Pathogenic for Nijmegen breakage syndrome-like disorder. Review status: criteria provided, single submitter. Criteria: ACMG Guidelines, 2015. Collection method: clinical testing. Allele origin: germline. Affected: yes. Observed: 1 variant allele.

Counsyl
Classification: Likely pathogenic for Nijmegen breakage syndrome-like disorder. Last evaluated: 2017-03-28. Review status: no assertion criteria provided. Collection method: clinical testing. Allele origin: unknown. Not counted in ClinVar's aggregate classification.

Literature cited by the submitters: PubMed 19409520 (cited by Labcorp Genetics (formerly Invitae), Labcorp); PubMed 26822949 (cited by 3 submitters).

NM_005732.4(RAD50):c.1093C>T (p.Arg365Ter)

Gene: RAD50 (RAD50 double strand break repair protein; plus strand). Cytogenetic location: 5q31.1.
Variant type: single nucleotide variant.
Coding change: c.1093C>T on transcript NM_005732.4 (MANE Select); coding-DNA position 1093, C replaced by T.
Protein change: p.Arg365Ter; replaces arginine 365 with a stop codon.
Molecular consequence: nonsense.
Genome position (GRCh38, 1-based): chr5:132,588,728, C>T. VCF-style: chr5-132588728-C-T. GRCh37 (hg19) VCF-style: chr5-131924420-C-T.
Other names: short protein forms R365*.
Identifiers: ClinVar variation 480489 (VCV000480489.17), dbSNP rs1247689593, ClinGen allele CA360942273.